The following is an entry in ClinVar:

ClinVar aggregate classification (germline): Uncertain significance (1 of 4 stars; one submission).

Allele frequency attached by ClinVar (database versions not stated): TOPMed below 0.00001.

Submission:

Labcorp Genetics (formerly Invitae), Labcorp
Classification: Uncertain significance. Last evaluated: 2022-05-03. Review status: criteria provided, single submitter. Criteria: Invitae Variant Classification Sherloc (09022015). Collection method: clinical testing. Allele origin: germline.
Comment: In summary, the available evidence is currently insufficient to determine the role of this variant in disease. Therefore, it has been classified as a Variant of Uncertain Significance. Algorithms developed to predict the effect of missense changes on protein structure and function are either unavailable or do not agree on the potential impact of this missense change (SIFT: "Deleterious"; PolyPhen-2: "Benign"; Align-GVGD: "Class C0"). This variant has not been reported in the literature in individuals affected with HPS1-related conditions. This variant is not present in population databases (gnomAD no frequency). This sequence change replaces arginine, which is basic and polar, with glycine, which is neutral and non-polar, at codon 663 of the HPS1 protein (p.Arg663Gly).

NM_000195.5(HPS1):c.1987A>G (p.Arg663Gly)

Gene: HPS1 (HPS1 biogenesis of lysosomal organelles complex 3 subunit 1; minus strand). Cytogenetic location: 10q24.2.
Variant type: single nucleotide variant.
Coding change: c.1987A>G on transcript NM_000195.5 (MANE Select); coding-DNA position 1987, A replaced by G.
Protein change: p.Arg663Gly; replaces arginine 663 with glycine.
Molecular consequence: missense variant.
Genome position (GRCh38, 1-based): chr10:98,417,680, T>C on the plus strand (A>G on the coding strand, the complement: HPS1 is on the minus strand). VCF-style: chr10-98417680-T-C. GRCh37 (hg19) VCF-style: chr10-100177437-T-C.
Other names: c.1015A>G, p.Arg339Gly (NM_001311345.2, NM_001322487.2, NM_001322489.2); c.1987A>G, p.Arg663Gly (NM_001322476.2, NM_001322477.2); c.1888A>G, p.Arg630Gly (NM_001322478.2, NM_001322479.2); c.1726A>G, p.Arg576Gly (NM_001322480.2, NM_001322481.2); c.1627A>G, p.Arg543Gly (NM_001322482.2); c.1618A>G, p.Arg540Gly (NM_001322483.2, NM_001322484.2); c.1519A>G, p.Arg507Gly (NM_001322485.2); short protein forms R543G, R630G, R339G, R507G, R540G, R576G, R663G.
Identifiers: ClinVar variation 2133045 (VCV002133045.4), dbSNP rs1844273577, ClinGen allele CA378042255.